The following is an entry in ClinVar:

NM_001953.5(TYMP):c.1304C>A (p.Thr435Asn)

Genes: SCO2 (synthesis of cytochrome C oxidase 2; minus strand), TYMP (thymidine phosphorylase; minus strand), LOC130067862 (ATAC-STARR-seq lymphoblastoid silent region 13986; plus strand). Cytogenetic location: 22q13.33.
Variant type: single nucleotide variant.
Coding change: c.1304C>A on transcript NM_001953.5 (MANE Select); coding-DNA position 1304, C replaced by A.
Protein change: p.Thr435Asn; replaces threonine 435 with asparagine.
Molecular consequence: missense variant. On other transcripts: intron variant (2).
Genome position (GRCh38, 1-based): chr22:50,525,915, G>T on the plus strand (C>A on the coding strand, the complement: TYMP is on the minus strand). VCF-style: chr22-50525915-G-T. GRCh37 (hg19) VCF-style: chr22-50964344-G-T.
Other names: c.1304C>A, p.Thr435Asn (NM_001113755.3, NM_001113756.3, NM_001257988.1); c.1319C>A, p.Thr440Asn (NM_001257989.1); c.-14+331C>A (NM_001169109.2); c.-14+86C>A (NM_001169110.1); short protein forms T435N, T440N.
Identifiers: ClinVar variation 4087822 (VCV004087822.1).

ClinVar aggregate classification (germline): Uncertain significance (1 of 4 stars; one submission).

gnomAD v4.1: 19 of 1,529,142 alleles (0.0012%); highest among the groups gnomAD compares: Non-Finnish European, 0.0016%; no homozygotes.

Submission:

GeneDx
Classification: Uncertain significance. Last evaluated: 2025-03-23. Review status: criteria provided, single submitter. Criteria: GeneDx Variant Classification Process June 2021. Collection method: clinical testing. Allele origin: germline. Affected: yes.
Comment: Not observed at significant frequency in large population cohorts (gnomAD); In silico analysis indicates that this missense variant does not alter protein structure/function; Has not been previously published as pathogenic or benign to our knowledge